The following is an entry in ClinVar:

NM_000214.3(JAG1):c.3476A>T (p.Asp1159Val)

Gene: JAG1 (jagged canonical Notch ligand 1; minus strand). Cytogenetic location: 20p12.2.
Variant type: single nucleotide variant.
Coding change: c.3476A>T on transcript NM_000214.3 (MANE Select); coding-DNA position 3476, A replaced by T.
Protein change: p.Asp1159Val; replaces aspartic acid 1159 with valine.
Molecular consequence: missense variant.
Genome position (GRCh38, 1-based): chr20:10,639,679, T>A on the plus strand (A>T on the coding strand, the complement: JAG1 is on the minus strand). VCF-style: chr20-10639679-T-A. GRCh37 (hg19) VCF-style: chr20-10620327-T-A.
Other names: c.3476A>T (NM_000214.2); short protein forms D1159V.
Identifiers: ClinVar variation 2161523 (VCV002161523.7), dbSNP rs367992928, ClinGen allele CA311367385.

ClinVar aggregate classification (germline): Uncertain significance. Review status: criteria provided, multiple submitters, no conflicts (2 of 4 stars). 5 submissions from 5 submitters: Uncertain significance (5). Last evaluated 2026-08-06.

Conditions:
Alagille syndrome due to a JAG1 point mutation. Also called: HEPATIC DUCTULAR HYPOPLASIA, SYNDROMATIC; Alagille Syndrome 1; JAG1-Related Alagille Syndrome. Identifiers: Orphanet 261619, Orphanet 52, MedGen C1956125, MONDO:0016862, OMIM 118450.
Cardiovascular phenotype. Identifiers: MedGen CN230736.
JAG1-related disorder. Also called: JAG1-related disorders; JAG1-related condition.

Allele frequency attached by ClinVar (database versions not stated): gnomAD 0.00001; ESP Exome Variant Server 0.00008; TOPMed 0.00001; gnomAD exomes 0.00001.
gnomAD v4.1: 18 of 1,614,128 alleles (0.0011%); highest among the groups gnomAD compares: Non-Finnish European, 0.0015%; no homozygotes.

Submissions (5):

OLLIN Analises Genomicas, OLLIN
Classification: Uncertain significance. Last evaluated: 2026-08-06. Review status: criteria provided, single submitter. Criteria: ACMG Guidelines 2015 PMID 25741868. Collection method: clinical testing. Allele origin: germline.
Comment: This missense variant, located in exon 26 (of 26), has been reported in ClinVar (accession VCV002161523.5) and in gnomAD with an allele frequency of 0.0011%. However, to our knowledge, it has not been reported in the scientific literature. In silico analysis is inconclusive regarding the impact of this variant. This gene is constrained for missense variation. According to the currently available evidence, this variant has been classified as uncertain significance (PP2).

Ambry Genetics
Classification: Uncertain significance for Cardiovascular phenotype. Last evaluated: 2026-06-25. Review status: criteria provided, single submitter. Criteria: Ambry Variant Classification Scheme 2023. Collection method: clinical testing. Allele origin: germline.
Comment: The p.D1159V variant (also known as c.3476A>T), located in coding exon 26 of the JAG1 gene, results from an A to T substitution at nucleotide position 3476. The aspartic acid at codon 1159 is replaced by valine, an amino acid with highly dissimilar properties. This amino acid position is conserved. In addition, this alteration is predicted to be deleterious by in silico analysis. Based on the available evidence, the clinical significance of this variant remains unclear.

PreventionGenetics, part of Exact Sciences
Classification: Uncertain significance for JAG1-related condition. Last evaluated: 2025-07-10. Review status: criteria provided, single submitter. Criteria: ACMG Guidelines, 2015. Collection method: clinical testing. Allele origin: germline.
Comment: The JAG1 c.3476A>T variant is predicted to result in the amino acid substitution p.Asp1159Val. To our knowledge, this variant has not been reported in the literature. This variant is absent in a large population database (gnomAD), indicating this variant is rare. At this time, the clinical significance of this variant is uncertain due to the absence of conclusive functional and genetic evidence.

Women's Health and Genetics/Laboratory Corporation of America, LabCorp
Classification: Uncertain significance. Last evaluated: 2024-06-27. Review status: criteria provided, single submitter. Criteria: LabCorp Variant Classification Summary - May 2015. Collection method: clinical testing. Allele origin: germline.
Comment: Variant summary: JAG1 c.3476A>T (p.Asp1159Val) results in a non-conservative amino acid change in the encoded protein sequence. Three of five in-silico tools predict a damaging effect of the variant on protein function. The variant was absent in 251484 control chromosomes. The available data on variant occurrences in the general population are insufficient to allow any conclusion about variant significance. To our knowledge, no occurrence of c.3476A>T in individuals affected with Alagille Syndrome 1 and no experimental evidence demonstrating its impact on protein function have been reported. ClinVar contains an entry for this variant (Variation ID: 2161523). Based on the evidence outlined above, the variant was classified as uncertain significance.

Labcorp Genetics (formerly Invitae), Labcorp
Classification: Uncertain significance for Alagille syndrome due to a JAG1 point mutation. Last evaluated: 2022-07-18. Review status: criteria provided, single submitter. Criteria: Invitae Variant Classification Sherloc (09022015). Collection method: clinical testing. Allele origin: germline.
Comment: This variant has not been reported in the literature in individuals affected with JAG1-related conditions. In summary, the available evidence is currently insufficient to determine the role of this variant in disease. Therefore, it has been classified as a Variant of Uncertain Significance. Advanced modeling of protein sequence and biophysical properties (such as structural, functional, and spatial information, amino acid conservation, physicochemical variation, residue mobility, and thermodynamic stability) performed at Invitae indicates that this missense variant is not expected to disrupt JAG1 protein function. This variant is not present in population databases (gnomAD no frequency). This sequence change replaces aspartic acid, which is acidic and polar, with valine, which is neutral and non-polar, at codon 1159 of the JAG1 protein (p.Asp1159Val).